The following is an entry in ClinVar:

ClinVar aggregate classification (germline): Benign. Review status: criteria provided, multiple submitters, no conflicts (2 of 4 stars). 2 submissions from 2 submitters: Benign (2). Last evaluated 2026-05-07.

Conditions:
UBE3B-related disorder. Also called: UBE3B-related condition.

Allele frequency attached by ClinVar (database versions not stated): gnomAD exomes 0.00023; ExAC 0.00073; gnomAD 0.00225; TOPMed 0.00252; ESP Exome Variant Server 0.00292; 1000 Genomes Project 0.00300; 1000 Genomes Project 30x 0.00312.
gnomAD v4.1: 717 of 1,613,974 alleles (0.044%); highest among the groups gnomAD compares: African/African-American, 0.78%; 2 homozygotes.

Submissions (2):

PreventionGenetics, part of Exact Sciences
Classification: Benign for UBE3B-related condition. Last evaluated: 2026-05-07. Review status: criteria provided, single submitter. Criteria: ACMG Guidelines, 2015. Collection method: clinical testing. Allele origin: germline.
Comment: This variant is classified as benign based on ACMG/AMP sequence variant interpretation guidelines (Richards et al. 2015 PMID: 25741868, with internal and published modifications).

Labcorp Genetics (formerly Invitae), Labcorp
Classification: Benign. Last evaluated: 2026-01-11. Review status: criteria provided, single submitter. Criteria: Invitae Variant Classification Sherloc (09022015). Collection method: clinical testing. Allele origin: germline.

NM_130466.4(UBE3B):c.2079C>T (p.Asp693=)

Gene: UBE3B (ubiquitin protein ligase E3B; plus strand). Cytogenetic location: 12q24.11.
Variant type: single nucleotide variant.
Coding change: c.2079C>T on transcript NM_130466.4 (MANE Select); coding-DNA position 2079, C replaced by T.
Protein change: p.Asp693=; no amino-acid change (aspartic acid 693 retained).
Molecular consequence: synonymous variant.
Genome position (GRCh38, 1-based): chr12:109,521,150, C>T. VCF-style: chr12-109521150-C-T. GRCh37 (hg19) VCF-style: chr12-109958955-C-T.
Other names: c.2079C>T, p.Asp693= (NM_183415.3); c.2079C>T (NM_130466.3).
Identifiers: ClinVar variation 1982857 (VCV001982857.5), dbSNP rs61744991, ClinGen allele CA6778122.
Genomic context (GRCh38, chr12:109,521,150, plus strand): 5'-CGAATTGTGTGCATAAGGCTTTGGGCTTCCTAATGGGCTGTAATTCTGCTCTTGGCAGGA[C>T]GGCTACGAGCAGCTTAGGCAGCTCTCCCAGCACGCCATGAAGGGGGTCATCCGTGTGAAG-3'
Protein context (NP_569733.2, residues 683-703): ITIRRSRMLE[Asp693=]GYEQLRQLSQ